The following is an entry in ClinVar:

NM_004168.4(SDHA):c.79C>G (p.Gln27Glu)

Gene: SDHA (succinate dehydrogenase complex flavoprotein subunit A; plus strand). Cytogenetic location: 5p15.33.
Variant type: single nucleotide variant.
Coding change: c.79C>G on transcript NM_004168.4 (MANE Select); coding-DNA position 79, C replaced by G.
Protein change: p.Gln27Glu; replaces glutamine 27 with glutamic acid.
Molecular consequence: missense variant.
Genome position (GRCh38, 1-based): chr5:223,497, C>G. VCF-style: chr5-223497-C-G. GRCh37 (hg19) VCF-style: chr5-223612-C-G.
Other names: c.79C>G, p.Gln27Glu (NM_001294332.2, NM_001330758.2); short protein forms Q27E.
Identifiers: ClinVar variation 837889 (VCV000837889.14), dbSNP rs1734829878, ClinGen allele CA359008092.

ClinVar aggregate classification (germline): Uncertain significance (1 of 4 stars; one submission).

Conditions:
Pheochromocytoma/paraganglioma syndrome 5. Also called: Paragangliomas 5; SDHA-Related Hereditary Paraganglioma-Pheochromocytoma Syndrome. Identifiers: Orphanet 29072, MedGen C3279992, MONDO:0013602, OMIM 614165.
Mitochondrial complex II deficiency, nuclear type 1. Also called: SUCCINATE CoQ REDUCTASE DEFICIENCY. Identifiers: Orphanet 3208, MedGen C5700310, MONDO:0100294, OMIM 252011.

Allele frequency attached by ClinVar (database versions not stated): gnomAD exomes below 0.00001.
gnomAD v4.1: 1 of 1,613,176 alleles (0.000062%); highest among the groups gnomAD compares: Non-Finnish European, 0.000085%; no homozygotes.

Submission:

Labcorp Genetics (formerly Invitae), Labcorp
Classification: Uncertain significance for Pheochromocytoma/paraganglioma syndrome 5; Mitochondrial complex II deficiency, nuclear type 1. Last evaluated: 2024-07-30. Review status: criteria provided, single submitter. Criteria: Invitae Variant Classification Sherloc (09022015). Collection method: clinical testing. Allele origin: germline.
Comment: This sequence change replaces glutamine, which is neutral and polar, with glutamic acid, which is acidic and polar, at codon 27 of the SDHA protein (p.Gln27Glu). This variant is not present in population databases (gnomAD no frequency). This variant has not been reported in the literature in individuals affected with SDHA-related conditions. ClinVar contains an entry for this variant (Variation ID: 837889). Advanced modeling of protein sequence and biophysical properties (such as structural, functional, and spatial information, amino acid conservation, physicochemical variation, residue mobility, and thermodynamic stability) performed at Invitae indicates that this missense variant is not expected to disrupt SDHA protein function with a negative predictive value of 95%. In summary, the available evidence is currently insufficient to determine the role of this variant in disease. Therefore, it has been classified as a Variant of Uncertain Significance.